The following is an entry in ClinVar:

NM_001267550.2(TTN):c.106619T>C (p.Ile35540Thr)

Genes: TTN (titin; minus strand), TTN-AS1 (TTN antisense RNA 1; plus strand). Cytogenetic location: 2q31.2.
Variant type: single nucleotide variant.
Coding change: c.106619T>C on transcript NM_001267550.2 (MANE Select); coding-DNA position 106619, T replaced by C.
Protein change: p.Ile35540Thr; replaces isoleucine 35540 with threonine.
Molecular consequence: missense variant.
Genome position (GRCh38, 1-based): chr2:178,529,132, A>G on the plus strand (T>C on the coding strand, the complement: TTN is on the minus strand). VCF-style: chr2-178529132-A-G. GRCh37 (hg19) VCF-style: chr2-179393859-A-G.
Other names: p.I32972T:ATT>ACT; c.101696T>C, p.Ile33899Thr (NM_001256850.1); c.79424T>C, p.Ile26475Thr (NM_003319.4); c.98915T>C, p.Ile32972Thr (NM_133378.4); c.79799T>C, p.Ile26600Thr (NM_133432.3); c.80000T>C, p.Ile26667Thr (NM_133437.4); short protein forms I35540T, I32972T, I33899T, I26475T, I26667T, I26600T.
Identifiers: ClinVar variation 47710 (VCV000047710.52), dbSNP rs55880440, ClinGen allele CA284392.

ClinVar aggregate classification (germline): Benign/Likely benign. Review status: criteria provided, multiple submitters, no conflicts (2 of 4 stars). 30 submissions from 23 submitters: Benign (16); Likely benign (7). 7 of the submissions do not count toward it. Last evaluated 2026-02-03.

Conditions:
Dilated cardiomyopathy 1G (CMD1G). Identifiers: Orphanet 154, MedGen C1858763, MONDO:0011400, OMIM 604145.
Autosomal recessive limb-girdle muscular dystrophy type 2J (LGMDR10). Also called: MUSCULAR DYSTROPHY, LIMB-GIRDLE, AUTOSOMAL RECESSIVE 10; Limb-girdle muscular dystrophy, type 2J. Identifiers: Orphanet 140922, MedGen C1837342, MONDO:0012127, OMIM 608807.
Cardiovascular phenotype. Identifiers: MedGen CN230736.
Cardiomyopathy (CMYO). Also called: Cardiomyopathies. Identifiers: Orphanet 167848, MedGen C0878544, MONDO:0004994, HP:0001638. Inheritance: Various modes of inheritance.
Early-onset myopathy with fatal cardiomyopathy (CMYO5). Also called: CONGENITAL MYOPATHY 5 WITH CARDIOMYOPATHY; Salih Myopathy. Identifiers: Orphanet 289377, MedGen C2673677, MONDO:0012714, OMIM 611705. Disease mechanism: loss of function.
Myopathy, myofibrillar, 9, with early respiratory failure (MFM9). Also called: Myopathy, distal, with early respiratory failure, autosomal dominant; Hereditary myopathy with early respiratory failure; MYOPATHY, PROXIMAL, WITH EARLY RESPIRATORY MUSCLE INVOLVEMENT; EDSTROM MYOPATHY. Identifiers: Orphanet 178464, Orphanet 34521, MedGen C1863599, MONDO:0011362, OMIM 603689.
Tibial muscular dystrophy (TMD). Also called: Udd Distal Myopathy – Tibial Muscular Dystrophy; Tibial muscular dystrophy, tardive; UDD MYOPATHY. Identifiers: Orphanet 609, MedGen C1838244, MONDO:0010870, OMIM 600334.

Allele frequency attached by ClinVar (database versions not stated): 1000 Genomes Project 0.00459; 1000 Genomes Project 30x 0.00468; gnomAD 0.01150 and 0.01136; TOPMed 0.01065; ESP Exome Variant Server 0.01361; gnomAD exomes 0.01222 and 0.01630; ExAC 0.01423.
gnomAD v4.1: 24,981 of 1,587,736 alleles (1.6%); highest among the groups gnomAD compares: Middle Eastern, 1.8%; 253 homozygotes.

Submissions 1 to 17 of 30:

Labcorp Genetics (formerly Invitae), Labcorp
Classification: Benign for Dilated cardiomyopathy 1G; Autosomal recessive limb-girdle muscular dystrophy type 2J. Last evaluated: 2026-02-03. Review status: criteria provided, single submitter. Criteria: Invitae Variant Classification Sherloc (09022015). Collection method: clinical testing. Allele origin: germline.

Molecular Diagnostic Laboratory for Inherited Cardiovascular Disease, Montreal Heart Institute
Classification: Likely benign. Last evaluated: 2025-04-09. Review status: criteria provided, single submitter. Criteria: ACMG Guidelines, 2015. Collection method: clinical testing. Allele origin: germline. Affected: no.

ARUP Laboratories, Molecular Genetics and Genomics, ARUP Laboratories
Classification: Benign. Last evaluated: 2025-01-17. Review status: criteria provided, single submitter. Criteria: ARUP Molecular Germline Variant Investigation Process 2024. Collection method: clinical testing. Allele origin: germline.

Blueprint Genetics
Classification: Likely benign. Last evaluated: 2024-11-26. Review status: criteria provided, single submitter. Criteria: ACMG Guidelines, 2015. Collection method: clinical testing. Allele origin: germline.

Athena Diagnostics
Classification: Benign. Last evaluated: 2023-11-15. Review status: criteria provided, single submitter. Criteria: Athena Diagnostics Criteria. Collection method: clinical testing. Allele origin: unknown.

Genome-Nilou Lab
Classification: Benign for Autosomal recessive limb-girdle muscular dystrophy type 2J. Last evaluated: 2021-09-10. Review status: criteria provided, single submitter. Criteria: ACMG Guidelines, 2015. Collection method: clinical testing. Allele origin: germline. Affected: no.

Genome-Nilou Lab
Classification: Benign for Myopathy, myofibrillar, 9, with early respiratory failure. Last evaluated: 2021-09-10. Review status: criteria provided, single submitter. Criteria: ACMG Guidelines, 2015. Collection method: clinical testing. Allele origin: germline. Affected: no.

Genome-Nilou Lab
Classification: Benign for Early-onset myopathy with fatal cardiomyopathy. Last evaluated: 2021-09-10. Review status: criteria provided, single submitter. Criteria: ACMG Guidelines, 2015. Collection method: clinical testing. Allele origin: germline. Affected: no.

Genome-Nilou Lab
Classification: Benign for Tibial muscular dystrophy. Last evaluated: 2021-09-10. Review status: criteria provided, single submitter. Criteria: ACMG Guidelines, 2015. Collection method: clinical testing. Allele origin: germline. Affected: no.

Women's Health and Genetics/Laboratory Corporation of America, LabCorp
Classification: Benign. Last evaluated: 2019-09-23. Review status: criteria provided, single submitter. Criteria: LabCorp Variant Classification Summary - May 2015. Collection method: clinical testing. Allele origin: germline.
Comment: Variant summary: TTN c.98915T>C (p.Ile32972Thr) results in a non-conservative amino acid change located in the M-band region of the encoded protein sequence. Four of five in-silico tools predict a benign effect of the variant on protein function. The variant allele was found at a frequency of 0.012 in 228956 control chromosomes, predominantly at a frequency of 0.017 within the Non-Finnish European subpopulation in the gnomAD database, including 11 homozygotes. The observed variant frequency within Non-Finnish European control individuals in the gnomAD database is approximately 27 fold of the estimated maximal expected allele frequency for a pathogenic variant in TTN causing Cardiomyopathy phenotype (0.00063), strongly suggesting that the variant is a benign polymorphism found primarily in populations of Non-Finnish European origin. To our knowledge, no occurrence of c.98915T>C in individuals affected with Cardiomyopathy and no experimental evidence demonstrating its impact on protein function have been reported. Two clinical diagnostic laboratories have submitted clinical-significance assessments for this variant to ClinVar after 2014 without evidence for independent evaluation. One laboratory classified the variant as benign and one laboratory classified the variant as uncertain significance. In addition, six clinical diagnostic laboratories have submitted clinical-significance assessments for this variant to ClinVar before 2014 without evidence for independent evaluation. Four classified the variant as benign and two classified the variant as likely benign. Based on the evidence outlined above, the variant was classified as benign.

CHEO Genetics Diagnostic Laboratory, Children's Hospital of Eastern Ontario
Classification: Benign for Cardiomyopathy. Last evaluated: 2019-05-23. Review status: criteria provided, single submitter. Criteria: ACMG Guidelines, 2015. Collection method: clinical testing. Allele origin: germline.

Illumina Laboratory Services, Illumina
Classification: Likely benign for Autosomal recessive limb-girdle muscular dystrophy type 2J. Last evaluated: 2018-01-12. Review status: criteria provided, single submitter. Criteria: ICSL Variant Classification Criteria 13 December 2019. Collection method: clinical testing. Allele origin: germline.
Comment: This variant was observed in the ICSL laboratory as part of a predisposition screen in an ostensibly healthy population. It had not been previously curated by ICSL or reported in the Human Gene Mutation Database (HGMD: prior to June 1st, 2018), and was therefore a candidate for classification through an automated scoring system. Utilizing variant allele frequency, disease prevalence and penetrance estimates, and inheritance mode, an automated score was calculated to assess if this variant is too frequent to cause the disease. Based on the score and internal cut-off values, a variant classified as likely benign is not then subjected to further curation. The score for this variant resulted in a classification of likely benign for this disease.

Illumina Laboratory Services, Illumina
Classification: Benign for Tibial muscular dystrophy. Last evaluated: 2018-01-12. Review status: criteria provided, single submitter. Criteria: ICSL Variant Classification Criteria 13 December 2019. Collection method: clinical testing. Allele origin: germline.
Comment: This variant was observed in the ICSL laboratory as part of a predisposition screen in an ostensibly healthy population. It had not been previously curated by ICSL or reported in the Human Gene Mutation Database (HGMD: prior to June 1st, 2018), and was therefore a candidate for classification through an automated scoring system. Utilizing variant allele frequency, disease prevalence and penetrance estimates, and inheritance mode, an automated score was calculated to assess if this variant is too frequent to cause the disease. Based on the score and internal cut-off values, a variant classified as benign is not then subjected to further curation. The score for this variant resulted in a classification of benign for this disease.

Illumina Laboratory Services, Illumina
Classification: Likely benign for Dilated cardiomyopathy 1G. Last evaluated: 2018-01-12. Review status: criteria provided, single submitter. Criteria: ICSL Variant Classification Criteria 13 December 2019. Collection method: clinical testing. Allele origin: germline.
Comment: the same text as in the submission from Illumina Laboratory Services, Illumina above.

Illumina Laboratory Services, Illumina
Classification: Benign for Myopathy, myofibrillar, 9, with early respiratory failure. Last evaluated: 2018-01-12. Review status: criteria provided, single submitter. Criteria: ICSL Variant Classification Criteria 13 December 2019. Collection method: clinical testing. Allele origin: germline.
Comment: the same text as in the submission from Illumina Laboratory Services, Illumina above.

Illumina Laboratory Services, Illumina
Classification: Likely benign for Early-onset myopathy with fatal cardiomyopathy. Last evaluated: 2018-01-12. Review status: criteria provided, single submitter. Criteria: ICSL Variant Classification Criteria 13 December 2019. Collection method: clinical testing. Allele origin: germline.
Comment: the same text as in the submission from Illumina Laboratory Services, Illumina above.

Mayo Clinic Laboratories, Mayo Clinic
Classification: Benign. Last evaluated: 2018-01-04. Review status: criteria provided, single submitter. Criteria: ACMG Guidelines, 2015. Collection method: clinical testing. Allele origin: germline. Observed: 70 variant alleles.